The following is an entry in ClinVar:

NM_002878.4(RAD51D):c.226A>G (p.Lys76Glu)

Genes: RAD51D (RAD51 paralog D; minus strand), RAD51L3-RFFL (RAD51L3-RFFL readthrough; minus strand). Cytogenetic location: 17q12.
Variant type: single nucleotide variant.
Coding change: c.226A>G on transcript NM_002878.4 (MANE Select); coding-DNA position 226, A replaced by G.
Protein change: p.Lys76Glu; replaces lysine 76 with glutamic acid.
Molecular consequence: missense variant. On other transcripts: intron variant (2).
Genome position (GRCh38, 1-based): chr17:35,118,538, T>C on the plus strand (A>G on the coding strand, the complement: RAD51D is on the minus strand). VCF-style: chr17-35118538-T-C. GRCh37 (hg19) VCF-style: chr17-33445557-T-C.
Other names: c.144+573A>G (NM_133629.3, NM_001142571.2); c.226A>G (NM_002878.3); short protein forms K76E.
Identifiers: ClinVar variation 1061773 (VCV001061773.10), dbSNP rs2142473937, ClinGen allele CA399091246.

ClinVar aggregate classification (germline): Uncertain significance. Review status: criteria provided, multiple submitters, no conflicts (2 of 4 stars). 2 submissions from 2 submitters: Uncertain significance (2). Last evaluated 2025-04-07.

Conditions:
Breast-ovarian cancer, familial, susceptibility to, 4. Identifiers: Orphanet 145, MedGen C3280345, MONDO:0013669, OMIM 614291.
Hereditary cancer-predisposing syndrome. Also called: Neoplastic Syndromes, Hereditary; Hereditary Cancer Syndrome; Hereditary neoplastic syndrome; Tumor predisposition. Identifiers: Orphanet 140162, MedGen C0027672, MeSH D009386, MONDO:0015356.

Submissions (2):

Ambry Genetics
Classification: Uncertain significance for Hereditary cancer-predisposing syndrome. Last evaluated: 2025-04-07. Review status: criteria provided, single submitter. Criteria: Ambry Variant Classification Scheme 2023. Collection method: clinical testing. Allele origin: germline.
Comment: The p.K76E variant (also known as c.226A>G), located in coding exon 3 of the RAD51D gene, results from an A to G substitution at nucleotide position 226. The lysine at codon 76 is replaced by glutamic acid, an amino acid with similar properties. This amino acid position is conserved. In addition, the in silico prediction for this alteration is inconclusive. Based on the available evidence, the clinical significance of this variant remains unclear.

Labcorp Genetics (formerly Invitae), Labcorp
Classification: Uncertain significance for Breast-ovarian cancer, familial, susceptibility to, 4. Last evaluated: 2020-10-08. Review status: criteria provided, single submitter. Criteria: Invitae Variant Classification Sherloc (09022015). Collection method: clinical testing. Allele origin: germline.
Comment: This sequence change replaces lysine with glutamic acid at codon 76 of the RAD51D protein (p.Lys76Glu). The lysine residue is moderately conserved and there is a small physicochemical difference between lysine and glutamic acid. This variant is not present in population databases (ExAC no frequency). This variant has not been reported in the literature in individuals with RAD51D-related conditions. Algorithms developed to predict the effect of missense changes on protein structure and function (SIFT, PolyPhen-2, Align-GVGD) all suggest that this variant is likely to be tolerated, but these predictions have not been confirmed by published functional studies and their clinical significance is uncertain. In summary, the available evidence is currently insufficient to determine the role of this variant in disease. Therefore, it has been classified as a Variant of Uncertain Significance.